The following is an entry in ClinVar:

NM_002489.4(NDUFA4):c.42+247T>C

Gene: NDUFA4 (NDUFA4 mitochondrial complex associated; minus strand). Cytogenetic location: 7p21.3.
Variant type: single nucleotide variant.
Coding change: c.42+247T>C on transcript NM_002489.4 (MANE Select); 247 bases into the intron after coding-DNA position 42, T replaced by C.
Molecular consequence: intron variant.
Genome position (GRCh38, 1-based): chr7:10,939,769, A>G on the plus strand (T>C on the coding strand, the complement: NDUFA4 is on the minus strand). VCF-style: chr7-10939769-A-G. GRCh37 (hg19) VCF-style: chr7-10979396-A-G.
Identifiers: ClinVar variation 682704 (VCV000682704.1), dbSNP rs1616965, ClinGen allele CA12497418.
Genomic context (GRCh38, chr7:10,939,769, plus strand): 5'-TGGACCGCACAACCTGCAAAAGAGAGCGGCCACCAGACTGTTCCAATATTCACTAACTAG[A>G]AAAAACTAGGTTTTTTTTCCGAGCAGTGTCCGTCTCCTTCCTCCTGTCAGACAAAACCCC-3'

ClinVar aggregate classification (germline): Benign (1 of 4 stars; one submission).

Allele frequency attached by ClinVar (database versions not stated): gnomAD exomes 0.60317; gnomAD 0.67466 and 0.67644; TOPMed 0.68390; 1000 Genomes Project 0.72863; 1000 Genomes Project 30x 0.73189.
gnomAD v4.1: 358,574 of 576,114 alleles (62%); highest among the groups gnomAD compares: African/African-American, 89%; 115,033 homozygotes.

Submission:

GeneDx
Classification: Benign. Last evaluated: 2018-06-14. Review status: criteria provided, single submitter. Criteria: GeneDx Variant Classification (06012015). Collection method: clinical testing. Allele origin: germline. Affected: yes.
Comment: This variant is considered likely benign or benign based on one or more of the following criteria: it is a conservative change, it occurs at a poorly conserved position in the protein, it is predicted to be benign by multiple in silico algorithms, and/or has population frequency not consistent with disease.